The following is an entry in ClinVar:

ClinVar aggregate classification (germline): Pathogenic (1 of 4 stars; one submission).

Conditions:
Primary ciliary dyskinesia. Also called: Ciliary dyskinesia. Identifiers: Orphanet 244, MedGen C0008780, MONDO:0016575, HP:0012265.

Submission:

Labcorp Genetics (formerly Invitae), Labcorp
Classification: Pathogenic for Primary ciliary dyskinesia. Last evaluated: 2023-05-05. Review status: criteria provided, single submitter. Criteria: Invitae Variant Classification Sherloc (09022015). Collection method: clinical testing. Allele origin: germline.
Comment: For these reasons, this variant has been classified as Pathogenic. This variant has not been reported in the literature in individuals affected with CCNO-related conditions. This variant is not present in population databases (gnomAD no frequency). This sequence change creates a premature translational stop signal (p.Ser65Alafs*29) in the CCNO gene. It is expected to result in an absent or disrupted protein product. Loss-of-function variants in CCNO are known to be pathogenic (PMID: 24747639).

Literature cited by the submitters: PubMed 24747639.

NM_021147.5(CCNO):c.192del (p.Ser65fs)

Gene: CCNO (cyclin O; minus strand). Cytogenetic location: 5q11.2.
Variant type: Deletion.
Coding change: c.192del on transcript NM_021147.5 (MANE Select); coding-DNA position 192, one base deleted (C; older notation c.192delC).
Protein change: p.Ser65fs; shifts the reading frame from serine 65.
Molecular consequence: frameshift variant. On other transcripts: non-coding transcript variant (2).
Genome position (GRCh38, 1-based): chr5:55,233,332, G deleted on the plus strand (C on the coding strand, the reverse complement: CCNO is on the minus strand); the first of 5 consecutive G bases (chr5:55,233,332-55,233,336); deleting any one gives the same sequence. VCF-style (leftmost placement, unchanged base first): chr5-55233331-TG-T. GRCh37 (hg19) VCF-style: chr5-54529159-TG-T.
Other names: short protein forms S65fs.
Identifiers: ClinVar variation 2963070 (VCV002963070.3), dbSNP rs752106293, ClinGen allele CA2673856804.